The following is an entry in ClinVar:

ClinVar aggregate classification (germline): Uncertain significance (1 of 4 stars; one submission).

Allele frequency attached by ClinVar (database versions not stated): gnomAD exomes below 0.00001.
gnomAD v4.1: 1 of 1,611,440 alleles (0.000062%); highest among the groups gnomAD compares: South Asian, 0.0011%; no homozygotes.

Submission:

GeneDx
Classification: Uncertain significance. Last evaluated: 2022-04-11. Review status: criteria provided, single submitter. Criteria: GeneDx Variant Classification Process June 2021. Collection method: clinical testing. Allele origin: germline. Affected: yes.
Comment: Not observed at significant frequency in large population cohorts (gnomAD); In silico analysis supports that this missense variant does not alter protein structure/function; Has not been previously published as pathogenic or benign to our knowledge

NM_001287491.2(TET3):c.4740G>C (p.Gln1580His)

Gene: TET3 (tet methylcytosine dioxygenase 3; plus strand). Cytogenetic location: 2p13.1.
Variant type: single nucleotide variant.
Coding change: c.4740G>C on transcript NM_001287491.2 (MANE Select); coding-DNA position 4740, G replaced by C.
Protein change: p.Gln1580His; replaces glutamine 1580 with histidine.
Molecular consequence: missense variant.
Genome position (GRCh38, 1-based): chr2:74,101,528, G>C. VCF-style: chr2-74101528-G-C. GRCh37 (hg19) VCF-style: chr2-74328655-G-C.
Other names: c.4461G>C, p.Gln1487His (NM_001366022.1); c.4335G>C, p.Gln1445His (NM_144993.1); short protein forms Q1445H, Q1487H, Q1580H.
Identifiers: ClinVar variation 1710903 (VCV001710903.2), dbSNP rs1691215790, ClinGen allele CA347321799.